The following is an entry in ClinVar:

ClinVar aggregate classification (germline): Uncertain significance (1 of 4 stars; one submission).

Conditions:
Cernunnos-XLF deficiency (IMD124). Also called: SCID, AUTOSOMAL RECESSIVE, T CELL-NEGATIVE, B CELL-NEGATIVE, NK CELL-POSITIVE, WITH MICROCEPHALY, GROWTH RETARDATION, AND SENSITIVITY TO IONIZING RADIATION; NHEJ1 SYNDROME; Severe combined immunodeficiency with sensitivity to ionizing radiation due to NHEJ1 deficiency; SCID, autosomal recessive, T cell-negative, B cell-negative, NK cell-positive, and sensitivity to ionizing radiation due to NHEJ1 deficiency; IMMUNODEFICIENCY 124, SEVERE COMBINED. Identifiers: Orphanet 169079, MedGen C1969799, MONDO:0012650, OMIM 611291.

Submission:

Labcorp Genetics (formerly Invitae), Labcorp
Classification: Uncertain significance for Cernunnos-XLF deficiency. Last evaluated: 2022-03-08. Review status: criteria provided, single submitter. Criteria: Invitae Variant Classification Sherloc (09022015). Collection method: clinical testing. Allele origin: germline.
Comment: In summary, the available evidence is currently insufficient to determine the role of this variant in disease. Therefore, it has been classified as a Variant of Uncertain Significance. Algorithms developed to predict the effect of missense changes on protein structure and function are either unavailable or do not agree on the potential impact of this missense change (SIFT: "Tolerated"; PolyPhen-2: "Probably Damaging"; Align-GVGD: "Class C0"). This variant has not been reported in the literature in individuals affected with NHEJ1-related conditions. This variant is not present in population databases (gnomAD no frequency). This sequence change replaces leucine, which is neutral and non-polar, with valine, which is neutral and non-polar, at codon 18 of the NHEJ1 protein (p.Leu18Val).

NM_024782.3(NHEJ1):c.52C>G (p.Leu18Val)

Gene: NHEJ1 (non-homologous end joining factor 1; minus strand). Cytogenetic location: 2q35.
Variant type: single nucleotide variant.
Coding change: c.52C>G on transcript NM_024782.3 (MANE Select); coding-DNA position 52, C replaced by G.
Protein change: p.Leu18Val; replaces leucine 18 with valine.
Molecular consequence: missense variant. On other transcripts: non-coding transcript variant (1).
Genome position (GRCh38, 1-based): chr2:219,158,311, G>C on the plus strand (C>G on the coding strand, the complement: NHEJ1 is on the minus strand). VCF-style: chr2-219158311-G-C. GRCh37 (hg19) VCF-style: chr2-220023033-G-C.
Other names: c.52C>G, p.Leu18Val (NM_001377498.1, NM_001377499.1); short protein forms L18V.
Identifiers: ClinVar variation 1435364 (VCV001435364.8), dbSNP rs2106369790, ClinGen allele CA350634710.